The following is an entry in ClinVar:

NM_006386.5(DDX17):c.738+1G>A

Gene: DDX17 (DEAD-box helicase 17; minus strand). Cytogenetic location: 22q13.1.
Variant type: single nucleotide variant.
Coding change: c.738+1G>A on transcript NM_006386.5 (MANE Select); the canonical splice donor site of the intron after coding-DNA position 738, G replaced by A.
Molecular consequence: splice donor variant.
Genome position (GRCh38, 1-based): chr22:38,498,084, C>T on the plus strand (G>A on the coding strand, the complement: DDX17 is on the minus strand). VCF-style: chr22-38498084-C-T. GRCh37 (hg19) VCF-style: chr22-38894089-C-T.
Other names: c.738+1G>A (NM_001098504.2).
Identifiers: ClinVar variation 3378013 (VCV003378013.2).

ClinVar aggregate classification (germline): Pathogenic (1 of 4 stars; one submission).

gnomAD v4.1: 1 of 1,613,422 alleles (0.000062%); highest among the groups gnomAD compares: Non-Finnish European, 0.000085%; no homozygotes.

Submission:

GeneDx
Classification: Pathogenic. Last evaluated: 2025-02-03. Review status: criteria provided, single submitter. Criteria: GeneDx Variant Classification Process June 2021. Collection method: clinical testing. Allele origin: germline. Affected: yes.
Comment: Canonical splice site variant predicted to result in an in-frame loss of the adjacent exon in a gene for which loss of function is a known mechanism of disease; Not observed at significant frequency in large population cohorts (gnomAD); Has not been previously published as pathogenic or benign to our knowledge